The following is an entry in ClinVar:

ClinVar aggregate classification (germline): Uncertain significance. Review status: criteria provided, multiple submitters, no conflicts (2 of 4 stars). 2 submissions from 2 submitters: Uncertain significance (2). Last evaluated 2025-11-17.

Conditions:
Early-infantile DEE. Also called: Early infantile epileptic encephalopathy with suppression bursts; Early infantile epileptic encephalopathy; Ohtahara syndrome. Identifiers: Orphanet 1934, MedGen C0393706, MONDO:0800491.

Allele frequency attached by ClinVar (database versions not stated): gnomAD 0.00001; gnomAD exomes below 0.00001.

Submissions (2):

Labcorp Genetics (formerly Invitae), Labcorp
Classification: Uncertain significance for Early-infantile DEE. Last evaluated: 2025-11-17. Review status: criteria provided, single submitter. Criteria: Invitae Variant Classification Sherloc (09022015). Collection method: clinical testing. Allele origin: germline.
Comment: This sequence change replaces tyrosine, which is neutral and polar, with cysteine, which is neutral and slightly polar, at codon 1986 of the SCN1A protein (p.Tyr1986Cys). This variant is not present in population databases (gnomAD no frequency). This variant has not been reported in the literature in individuals affected with SCN1A-related conditions. ClinVar contains an entry for this variant (Variation ID: 1378639). Invitae Evidence Modeling of protein sequence and biophysical properties (such as structural, functional, and spatial information, amino acid conservation, physicochemical variation, residue mobility, and thermodynamic stability) indicates that this missense variant is expected to disrupt SCN1A protein function with a positive predictive value of 95%. In summary, the available evidence is currently insufficient to determine the role of this variant in disease. Therefore, it has been classified as a Variant of Uncertain Significance.

GeneDx
Classification: Uncertain significance. Last evaluated: 2025-11-16. Review status: criteria provided, single submitter. Criteria: GeneDx Variant Classification Process June 2021. Collection method: clinical testing. Allele origin: germline. Affected: yes.
Comment: Not observed at significant frequency in large population cohorts (gnomAD); In silico analysis supports that this missense variant has a deleterious effect on protein structure/function; This substitution is predicted to be within the C-terminal cytoplasmic domain.; Has not been previously published as pathogenic or benign to our knowledge

NM_001165963.4(SCN1A):c.5957A>G (p.Tyr1986Cys)

Genes: SCN1A (sodium voltage-gated channel alpha subunit 1; minus strand), LOC102724058 (uncharacterized LOC102724058; plus strand). Cytogenetic location: 2q24.3.
Variant type: single nucleotide variant.
Coding change: c.5957A>G on transcript NM_001165963.4 (MANE Select); coding-DNA position 5957, A replaced by G.
Protein change: p.Tyr1986Cys; replaces tyrosine 1986 with cysteine.
Molecular consequence: missense variant. On other transcripts: non-coding transcript variant (1).
Genome position (GRCh38, 1-based): chr2:165,991,318, T>C on the plus strand (A>G on the coding strand, the complement: SCN1A is on the minus strand). VCF-style: chr2-165991318-T-C. GRCh37 (hg19) VCF-style: chr2-166847828-T-C.
Other names: c.5957A>G (NM_001165963.1); c.5873A>G, p.Tyr1958Cys (NM_001165964.3, NM_001353957.2, NM_001353958.2); c.5957A>G, p.Tyr1986Cys (NM_001202435.3, NM_001353948.2); c.5924A>G, p.Tyr1975Cys (NM_001353949.2, NM_001353950.2, NM_001353951.2 and 2 more transcripts); c.5921A>G, p.Tyr1974Cys (NM_001353954.2, NM_001353955.2); c.5870A>G, p.Tyr1957Cys (NM_001353960.2); c.3515A>G, p.Tyr1172Cys (NM_001353961.2); short protein forms Y1958C, Y1974C, Y1975C, Y1986C, Y1172C, Y1957C.
Identifiers: ClinVar variation 1378639 (VCV001378639.9), dbSNP rs1689099998, ClinGen allele CA349063099.